The following is an entry in ClinVar:

NM_000419.5(ITGA2B):c.2236G>T (p.Glu746Ter)

Gene: ITGA2B (integrin subunit alpha 2b; minus strand). Cytogenetic location: 17q21.31.
Variant type: single nucleotide variant.
Coding change: c.2236G>T on transcript NM_000419.5 (MANE Select); coding-DNA position 2236, G replaced by T.
Protein change: p.Glu746Ter; replaces glutamic acid 746 with a stop codon.
Molecular consequence: nonsense.
Genome position (GRCh38, 1-based): chr17:44,377,040, C>A on the plus strand (G>T on the coding strand, the complement: ITGA2B is on the minus strand). VCF-style: chr17-44377040-C-A. GRCh37 (hg19) VCF-style: chr17-42454408-C-A.
Other names: short protein forms E746*.
Identifiers: ClinVar variation 996211 (VCV000996211.2), dbSNP rs2048550784, ClinGen allele CA399798321.

ClinVar aggregate classification (germline): Pathogenic (3 of 4 stars; one submission).

Conditions:
Glanzmann thrombasthenia. Also called: Glanzmann's thrombasthenia; PLATELET GLYCOPROTEIN IIb-IIIa DEFICIENCY; BLEEDING DISORDER, PLATELET-TYPE, 2; THROMBASTHENIA OF GLANZMANN AND NAEGELI; Thrombasthenia. Identifiers: Orphanet 849, MedGen C0040015, MONDO:0100326.

Allele frequency attached by ClinVar (database versions not stated): gnomAD exomes below 0.00001.
gnomAD v4.1: 1 of 1,592,988 alleles (0.000063%); highest among the groups gnomAD compares: South Asian, 0.0011%; no homozygotes.

Submission:

ClinGen Platelet Disorders Variant Curation Expert Panel, ClinGen
Classification: Pathogenic for Glanzmann thrombasthenia. Last evaluated: 2020-11-10. Review status: reviewed by expert panel. Criteria: ClinGen Platelet ACMG Specifications v2. Collection method: curation. Allele origin: germline. Inheritance: Autosomal recessive inheritance.
Comment: The NM_000419.5:c.2236G>T (p.Glu746Ter) nonsense variant occurs in exon 22 of 30 and is predicted to result in NMD. The variant is absent from population databases, including gnomAD. The variant is reported in one compound heterozygous with likely pathogenic variant Arg551Trp (PMID: 29675921) and two homozygous GT patients (PMIDs: 16879215 and 29675921). In summary, based on the evidence available at this time, the variant is classified as pathogenic for GT. GT-specific criteria applied: PVS1, PM2_Supporting, PM3, and PP4_Strong.

Literature cited by the submitters: PubMed 29675921.